The following is an entry in ClinVar:

NM_000093.5(COL5A1):c.193C>T (p.Arg65Trp)

Gene: COL5A1 (collagen type V alpha 1 chain; plus strand). Cytogenetic location: 9q34.3.
Variant type: single nucleotide variant.
Coding change: c.193C>T on transcript NM_000093.5 (MANE Select); coding-DNA position 193, C replaced by T.
Protein change: p.Arg65Trp; replaces arginine 65 with tryptophan.
Molecular consequence: missense variant.
Genome position (GRCh38, 1-based): chr9:134,690,995, C>T. VCF-style: chr9-134690995-C-T. GRCh37 (hg19) VCF-style: chr9-137582841-C-T.
Other names: p.R65W:CGG>TGG; p.Arg65Trp; c.193C>T, p.Arg65Trp (NM_001278074.1); short protein forms R65W.
Identifiers: ClinVar variation 213006 (VCV000213006.56), dbSNP rs139468527, ClinGen allele CA323997.

ClinVar aggregate classification (germline): Benign/Likely benign. Review status: criteria provided, multiple submitters, no conflicts (2 of 4 stars). 13 submissions from 12 submitters: Benign (8); Likely benign (5). Last evaluated 2026-09-01.

Conditions:
Ehlers-Danlos syndrome (EDS). Identifiers: Orphanet 98249, MedGen C0013720, MONDO:0020066.
Fibromuscular dysplasia, multifocal. Identifiers: MedGen C5543412, MONDO:0859151, OMIM 619329.
Ehlers-Danlos syndrome, classic type, 1 (EDSCL1). Also called: Ehlers-Danlos syndrome, type 1; EHLERS-DANLOS SYNDROME, GRAVIS TYPE; EHLERS-DANLOS SYNDROME, SEVERE CLASSIC TYPE; Ehlers-Danlos Syndrome, Classic Type, COL5A1-Related; EDS I. Identifiers: MedGen C0268335, MONDO:0019567, OMIM 130000.
Connective tissue disorder. Also called: Connective tissue disease. Identifiers: MedGen C0009782, MONDO:0003900.
Familial thoracic aortic aneurysm and aortic dissection (TAAD). Also called: Thoracic aortic aneurysms and dissections. Identifiers: Orphanet 91387, MedGen C4707243, MONDO:0019625.

Allele frequency attached by ClinVar (database versions not stated): 1000 Genomes Project 0.00040; 1000 Genomes Project 30x 0.00062; gnomAD 0.00124 and 0.00141; ESP Exome Variant Server 0.00131; TOPMed 0.00135; ExAC 0.00195; gnomAD exomes 0.00216.
gnomAD v4.1: 2,634 of 1,613,832 alleles (0.16%); highest among the groups gnomAD compares: South Asian, 0.62%; 13 homozygotes.

Submissions (13):

CeGaT Center for Human Genetics Tuebingen
Classification: Benign. Last evaluated: 2026-09-01. Review status: criteria provided, single submitter. Criteria: CeGaT Center For Human Genetics Tuebingen Variant Classification Criteria Version 2. Collection method: clinical testing. Allele origin: germline. Affected: yes. Observed: 9 variant alleles.
Comment: COL5A1: BS1, BS2

Labcorp Genetics (formerly Invitae), Labcorp
Classification: Benign for Ehlers-Danlos syndrome, classic type, 1. Last evaluated: 2026-02-04. Review status: criteria provided, single submitter. Criteria: Invitae Variant Classification Sherloc (09022015). Collection method: clinical testing. Allele origin: germline.

Molecular Diagnostic Laboratory for Inherited Cardiovascular Disease, Montreal Heart Institute
Classification: Likely benign. Last evaluated: 2025-07-24. Review status: criteria provided, single submitter. Criteria: ACMG Guidelines, 2015. Collection method: clinical testing. Allele origin: germline. Affected: no.
Comment: BS1;BP6

Blueprint Genetics
Classification: Likely benign. Last evaluated: 2024-11-27. Review status: criteria provided, single submitter. Criteria: ACMG Guidelines, 2015. Collection method: clinical testing. Allele origin: germline.

ARUP Laboratories, Molecular Genetics and Genomics, ARUP Laboratories
Classification: Benign. Last evaluated: 2023-11-16. Review status: criteria provided, single submitter. Criteria: ARUP Molecular Germline Variant Investigation Process 2024. Collection method: clinical testing. Allele origin: germline.

Mayo Clinic Laboratories, Mayo Clinic
Classification: Benign. Last evaluated: 2023-08-15. Review status: criteria provided, single submitter. Criteria: ACMG Guidelines, 2015. Collection method: clinical testing. Allele origin: germline. Observed: 23 variant alleles.
Comment: BS1, BS2

Women's Health and Genetics/Laboratory Corporation of America, LabCorp
Classification: Likely benign. Last evaluated: 2023-07-21. Review status: criteria provided, single submitter. Criteria: LabCorp Variant Classification Summary - May 2015. Collection method: clinical testing. Allele origin: germline.

Genome-Nilou Lab
Classification: Benign for Ehlers-Danlos syndrome, classic type, 1. Last evaluated: 2022-03-15. Review status: criteria provided, single submitter. Criteria: ACMG Guidelines, 2015. Collection method: clinical testing. Allele origin: germline. Affected: no.

Genome-Nilou Lab
Classification: Benign for Fibromuscular dysplasia, multifocal. Last evaluated: 2022-03-15. Review status: criteria provided, single submitter. Criteria: ACMG Guidelines, 2015. Collection method: clinical testing. Allele origin: germline. Affected: no.

Genome Diagnostics Laboratory, The Hospital for Sick Children
Classification: Benign for Ehlers-Danlos syndrome. Last evaluated: 2021-08-16. Review status: criteria provided, single submitter. Criteria: ACMG Guidelines, 2015. Collection method: clinical testing. Allele origin: germline.

GeneDx
Classification: Benign. Last evaluated: 2020-02-13. Review status: criteria provided, single submitter. Criteria: GeneDx Variant Classification Process June 2021. Collection method: clinical testing. Allele origin: germline. Affected: yes.
Comment: This variant is associated with the following publications: (PMID: 24036952, 28748566, 30858776, 31903434)

Ambry Genetics
Classification: Likely benign for Familial thoracic aortic aneurysm and aortic dissection. Last evaluated: 2017-07-19. Review status: criteria provided, single submitter. Criteria: Ambry Variant Classification Scheme 2023. Collection method: clinical testing. Allele origin: germline.

Center for Human Genetics, Inc
Classification: Likely benign for Connective tissue disorder. Last evaluated: 2016-11-01. Review status: criteria provided, single submitter. Criteria: ACMG Guidelines, 2015. Collection method: clinical testing. Allele origin: germline. Affected: yes.